The following is an entry in ClinVar:

NM_006514.4(SCN10A):c.2134A>G (p.Met712Val)

Gene: SCN10A (sodium voltage-gated channel alpha subunit 10; minus strand). Cytogenetic location: 3p22.2.
Variant type: single nucleotide variant.
Coding change: c.2134A>G on transcript NM_006514.4 (MANE Select); coding-DNA position 2134, A replaced by G.
Protein change: p.Met712Val; replaces methionine 712 with valine.
Molecular consequence: missense variant.
Genome position (GRCh38, 1-based): chr3:38,739,661, T>C on the plus strand (A>G on the coding strand, the complement: SCN10A is on the minus strand). VCF-style: chr3-38739661-T-C. GRCh37 (hg19) VCF-style: chr3-38781152-T-C.
Other names: p.Met712Val; c.2134A>G, p.Met712Val (NM_001293306.2); c.1840A>G, p.Met614Val (NM_001293307.2); c.2134A>G (NM_006514.3); short protein forms M712V, M614V.
Identifiers: ClinVar variation 1786448 (VCV001786448.8), dbSNP rs377708955, ClinGen allele CA2320625.

ClinVar aggregate classification (germline): Uncertain significance. Review status: criteria provided, multiple submitters, no conflicts (2 of 4 stars). 4 submissions from 4 submitters: Uncertain significance (4). Last evaluated 2026-08-23.

Conditions:
Brugada syndrome. Also called: Sudden unexpected nocturnal death syndrome; Sudden unexplained nocturnal death syndrome; Sudden Unexplained Death Syndrome; Sudden Unexplained Nocturnal Death Syndrome (SUNDS). Identifiers: Orphanet 130, MedGen C1142166, MONDO:0015263.
Cardiovascular phenotype. Identifiers: MedGen CN230736.

Allele frequency attached by ClinVar (database versions not stated): gnomAD exomes below 0.00001; ExAC 0.00002; ESP Exome Variant Server 0.00008.
gnomAD v4.1: 5 of 1,614,092 alleles (0.00031%); highest among the groups gnomAD compares: Non-Finnish European, 0.00034%; no homozygotes.

Submissions (4):

GeneDx
Classification: Uncertain significance. Last evaluated: 2026-08-23. Review status: criteria provided, single submitter. Criteria: GeneDx Variant Classification Process June 2021. Collection method: clinical testing. Allele origin: germline.
Comment: Has not been previously published as pathogenic or benign to our knowledge; Not observed at significant frequency in large population cohorts (gnomAD); In silico analysis supports that this missense variant has a deleterious effect on protein structure/function

Ambry Genetics
Classification: Uncertain significance for Cardiovascular phenotype. Last evaluated: 2024-12-14. Review status: criteria provided, single submitter. Criteria: Ambry Variant Classification Scheme 2023. Collection method: clinical testing. Allele origin: germline.
Comment: The p.M712V variant (also known as c.2134A>G), located in coding exon 14 of the SCN10A gene, results from an A to G substitution at nucleotide position 2134. The methionine at codon 712 is replaced by valine, an amino acid with highly similar properties. This amino acid position is conserved. In addition, this alteration is predicted to be deleterious by in silico analysis. Since supporting evidence is limited at this time, the clinical significance of this alteration remains unclear.

Labcorp Genetics (formerly Invitae), Labcorp
Classification: Uncertain significance for Brugada syndrome. Last evaluated: 2024-12-04. Review status: criteria provided, single submitter. Criteria: Invitae Variant Classification Sherloc (09022015). Collection method: clinical testing. Allele origin: germline.
Comment: This sequence change replaces methionine, which is neutral and non-polar, with valine, which is neutral and non-polar, at codon 712 of the SCN10A protein (p.Met712Val). This variant is present in population databases (rs377708955, gnomAD 0.0009%). This variant has not been reported in the literature in individuals affected with SCN10A-related conditions. ClinVar contains an entry for this variant (Variation ID: 1786448). Invitae Evidence Modeling of protein sequence and biophysical properties (such as structural, functional, and spatial information, amino acid conservation, physicochemical variation, residue mobility, and thermodynamic stability) indicates that this missense variant is not expected to disrupt SCN10A protein function with a negative predictive value of 80%. In summary, the available evidence is currently insufficient to determine the role of this variant in disease. Therefore, it has been classified as a Variant of Uncertain Significance.

Mayo Clinic Laboratories, Mayo Clinic
Classification: Uncertain significance. Last evaluated: 2024-06-05. Review status: criteria provided, single submitter. Criteria: ACMG Guidelines, 2015. Collection method: clinical testing. Allele origin: germline. Observed: 1 variant allele.